The following is an entry in ClinVar:

ClinVar aggregate classification (germline): Uncertain significance (1 of 4 stars; one submission).

Allele frequency attached by ClinVar (database versions not stated): TOPMed 0.00001.
gnomAD v4.1: 1 of 1,614,182 alleles (0.000062%); highest among the groups gnomAD compares: Admixed American, 0.0017%; no homozygotes.

Submission:

Labcorp Genetics (formerly Invitae), Labcorp
Classification: Uncertain significance. Last evaluated: 2022-06-24. Review status: criteria provided, single submitter. Criteria: Invitae Variant Classification Sherloc (09022015). Collection method: clinical testing. Allele origin: germline.
Comment: In summary, the available evidence is currently insufficient to determine the role of this variant in disease. Therefore, it has been classified as a Variant of Uncertain Significance. Algorithms developed to predict the effect of missense changes on protein structure and function are either unavailable or do not agree on the potential impact of this missense change (SIFT: "Tolerated"; PolyPhen-2: "Probably Damaging"; Align-GVGD: "Class C0"). This variant has not been reported in the literature in individuals affected with RUSC2-related conditions. This variant is present in population databases (no rsID available, gnomAD 0.003%). This sequence change replaces histidine, which is basic and polar, with proline, which is neutral and non-polar, at codon 353 of the RUSC2 protein (p.His353Pro).

NM_014806.5(RUSC2):c.1058A>C (p.His353Pro)

Gene: RUSC2 (RUN and SH3 domain containing 2; plus strand). Cytogenetic location: 9p13.3.
Variant type: single nucleotide variant.
Coding change: c.1058A>C on transcript NM_014806.5 (MANE Select); coding-DNA position 1058, A replaced by C.
Protein change: p.His353Pro; replaces histidine 353 with proline.
Molecular consequence: missense variant. On other transcripts: non-coding transcript variant (1), intron variant (1).
Genome position (GRCh38, 1-based): chr9:35,547,579, A>C. VCF-style: chr9-35547579-A-C. GRCh37 (hg19) VCF-style: chr9-35547576-A-C.
Other names: c.1058A>C, p.His353Pro (NM_001135999.2); c.-620-7481A>C (NM_001330740.2); short protein forms H353P.
Identifiers: ClinVar variation 2196305 (VCV002196305.2), dbSNP rs1262004675, ClinGen allele CA373330502.